The following is an entry in ClinVar:

NM_001190.4(BCAT2):c.78A>G (p.Arg26=)

Gene: BCAT2 (branched chain amino acid transaminase 2; minus strand). Cytogenetic location: 19q13.33.
Variant type: single nucleotide variant.
Coding change: c.78A>G on transcript NM_001190.4 (MANE Select); coding-DNA position 78, A replaced by G.
Protein change: p.Arg26=; no amino-acid change (arginine 26 retained).
Molecular consequence: synonymous variant. On other transcripts: 5 prime UTR variant (1), intron variant (1).
Genome position (GRCh38, 1-based): chr19:48,807,021, T>C on the plus strand (A>G on the coding strand, the complement: BCAT2 is on the minus strand). VCF-style: chr19-48807021-T-C. GRCh37 (hg19) VCF-style: chr19-49310278-T-C.
Other names: c.-43A>G (NM_001284325.2); c.24+3963A>G (NM_001164773.2).
Identifiers: ClinVar variation 1469120 (VCV001469120.3), dbSNP rs1301371390, ClinGen allele CA508069441.

ClinVar aggregate classification (germline): Uncertain significance (1 of 4 stars; one submission).

Allele frequency attached by ClinVar (database versions not stated): gnomAD exomes below 0.00001; gnomAD 0.00001.

Submission:

Labcorp Genetics (formerly Invitae), Labcorp
Classification: Uncertain significance. Last evaluated: 2021-07-29. Review status: criteria provided, single submitter. Criteria: Invitae Variant Classification Sherloc (09022015). Collection method: clinical testing. Allele origin: germline.
Comment: This sequence change affects codon 26 of the BCAT2 mRNA. It is a 'silent' change, meaning that it does not change the encoded amino acid sequence of the BCAT2 protein. This variant is not present in population databases (ExAC no frequency). This variant has not been reported in the literature in individuals affected with BCAT2-related conditions. Algorithms developed to predict the effect of sequence changes on RNA splicing suggest that this variant may create or strengthen a splice site. In summary, the available evidence is currently insufficient to determine the role of this variant in disease. Therefore, it has been classified as a Variant of Uncertain Significance.